The following is an entry in ClinVar:

NM_207352.4(CYP4V2):c.1249_1250delinsTT (p.Thr417Phe)

Gene: CYP4V2 (cytochrome P450 family 4 subfamily V member 2; plus strand). Cytogenetic location: 4q35.2.
Variant type: Indel.
Coding change: c.1249_1250delinsTT on transcript NM_207352.4 (MANE Select); coding-DNA positions 1249 to 1250, AC replaced by TT.
Protein change: p.Thr417Phe; replaces threonine 417 with phenylalanine.
Molecular consequence: missense variant.
Genome position (GRCh38, 1-based): chr4:186,209,116-186,209,117, AC replaced by TT. VCF-style: chr4-186209116-AC-TT. GRCh37 (hg19) VCF-style: chr4-187130270-AC-TT.
Other names: short protein forms T417F.
Identifiers: ClinVar variation 964936 (VCV000964936.10), dbSNP rs1736627536, ClinGen allele CA1139655859.
Genomic context (GRCh38, chr4:186,209,116, plus strand): 5'-GCTCCGGTCTCATAATGTATTGACTACTTCTTGACAGCAGGTTACAGAGTTCTAAAAGGC[AC>TT]TGAAGCCGTCATCATTCCCTATGCATTGCACAGAGATCCGAGATACTTCCCCAACCCCGA-3'
Protein context (NP_997235.3, residues 407-427): EVAGYRVLKG[Thr417Phe]EAVIIPYALH

ClinVar aggregate classification (germline): Uncertain significance (1 of 4 stars; one submission).

Submission:

Labcorp Genetics (formerly Invitae), Labcorp
Classification: Uncertain significance. Last evaluated: 2023-10-22. Review status: criteria provided, single submitter. Criteria: Invitae Variant Classification Sherloc (09022015). Collection method: clinical testing. Allele origin: germline.
Comment: This sequence change replaces threonine, which is neutral and polar, with phenylalanine, which is neutral and non-polar, at codon 417 of the CYP4V2 protein (p.Thr417Phe). The frequency data for this variant in the population databases is considered unreliable, as metrics indicate poor data quality at this position in the gnomAD database. This variant has not been reported in the literature in individuals affected with CYP4V2-related conditions. ClinVar contains an entry for this variant (Variation ID: 964936). An algorithm developed to predict the effect of missense changes on protein structure and function (PolyPhen-2) suggests that this variant is likely to be disruptive. In summary, the available evidence is currently insufficient to determine the role of this variant in disease. Therefore, it has been classified as a Variant of Uncertain Significance.